The following is an entry in ClinVar:

NM_020778.5(ALPK3):c.1053G>T (p.Glu351Asp)

Gene: ALPK3 (alpha kinase 3; plus strand). Cytogenetic location: 15q25.3.
Variant type: single nucleotide variant.
Coding change: c.1053G>T on transcript NM_020778.5 (MANE Select); coding-DNA position 1053, G replaced by T.
Protein change: p.Glu351Asp; replaces glutamic acid 351 with aspartic acid.
Molecular consequence: missense variant.
Genome position (GRCh38, 1-based): chr15:84,840,332, G>T. VCF-style: chr15-84840332-G-T. GRCh37 (hg19) VCF-style: chr15-85383563-G-T.
Other names: short protein forms E351D.
Identifiers: ClinVar variation 4764480 (VCV004764480.1).

ClinVar aggregate classification (germline): Uncertain significance (1 of 4 stars; one submission).

gnomAD v4.1: 2 of 1,613,976 alleles (0.00012%); highest among the groups gnomAD compares: South Asian, 0.0011%; no homozygotes.

Submission:

Labcorp Genetics (formerly Invitae), Labcorp
Classification: Uncertain significance. Last evaluated: 2026-01-05. Review status: criteria provided, single submitter. Criteria: Invitae Variant Classification Sherloc (09022015). Collection method: clinical testing. Allele origin: germline.
Comment: This sequence change replaces glutamic acid, which is acidic and polar, with aspartic acid, which is acidic and polar, at codon 553 of the ALPK3 protein (p.Glu553Asp). This variant is not present in population databases (gnomAD no frequency). This variant has not been reported in the literature in individuals affected with ALPK3-related conditions. An algorithm developed to predict the effect of missense changes on protein structure and function (PolyPhen-2) suggests that this variant is likely to be tolerated. In summary, the available evidence is currently insufficient to determine the role of this variant in disease. Therefore, it has been classified as a Variant of Uncertain Significance.